The following is an entry in ClinVar:

NM_001080449.3(DNA2):c.1346C>T (p.Thr449Ile)

Gene: DNA2 (DNA replication helicase/nuclease 2; minus strand). Cytogenetic location: 10q21.3.
Variant type: single nucleotide variant.
Coding change: c.1346C>T on transcript NM_001080449.3 (MANE Select); coding-DNA position 1346, C replaced by T.
Protein change: p.Thr449Ile; replaces threonine 449 with isoleucine.
Molecular consequence: missense variant. On other transcripts: non-coding transcript variant (1).
Genome position (GRCh38, 1-based): chr10:68,442,986, G>A on the plus strand (C>T on the coding strand, the complement: DNA2 is on the minus strand). VCF-style: chr10-68442986-G-A. GRCh37 (hg19) VCF-style: chr10-70202743-G-A.
Other names: short protein forms T449I.
Identifiers: ClinVar variation 2181438 (VCV002181438.4), dbSNP rs201624435, ClinGen allele CA5525095.
Genomic context (GRCh38, chr10:68,442,986, plus strand): 5'-GCAGGCATTAGCCAGATATTTTGGTGATTCTTTTTATTATCCTTCGATTGTGACTCCAGG[G>A]TTAACATTAGACACCAAAGGCTGAAATATTCTAAGTGTGTTTGCTTCAGATGCTGGGTTT-3'
Protein context (NP_001073918.2, residues 439-459): EYFSLWCLML[Thr449Ile]LESQSKDNKK

ClinVar aggregate classification (germline): Uncertain significance (1 of 4 stars; one submission).

Allele frequency attached by ClinVar (database versions not stated): ExAC 0.00005; ESP Exome Variant Server 0.00008.
gnomAD v4.1: 14 of 1,612,638 alleles (0.00087%); highest among the groups gnomAD compares: South Asian, 0.0011%; no homozygotes.

Submission:

Labcorp Genetics (formerly Invitae), Labcorp
Classification: Uncertain significance. Last evaluated: 2026-01-05. Review status: criteria provided, single submitter. Criteria: Invitae Variant Classification Sherloc (09022015). Collection method: clinical testing. Allele origin: germline.
Comment: This sequence change replaces threonine, which is neutral and polar, with isoleucine, which is neutral and non-polar, at codon 449 of the DNA2 protein (p.Thr449Ile). This variant is present in population databases (rs201624435, gnomAD 0.006%). This variant has not been reported in the literature in individuals affected with DNA2-related conditions. ClinVar contains an entry for this variant (Variation ID: 2181438). Invitae Evidence Modeling of protein sequence and biophysical properties (such as structural, functional, and spatial information, amino acid conservation, physicochemical variation, residue mobility, and thermodynamic stability) indicates that this missense variant is not expected to disrupt DNA2 protein function with a negative predictive value of 80%. In summary, the available evidence is currently insufficient to determine the role of this variant in disease. Therefore, it has been classified as a Variant of Uncertain Significance.